The following is an entry in ClinVar:

ClinVar aggregate classification (germline): Likely pathogenic (1 of 4 stars; one submission).

Submission:

GeneDx
Classification: Likely pathogenic. Last evaluated: 2014-04-23. Review status: criteria provided, single submitter. Criteria: GeneDx Variant Classification (06012015). Collection method: clinical testing. Allele origin: germline. Affected: yes.
Comment: p.Met379Thr (ATG>ACG): c.1136 T>C in exon 8 of the ALAS2 gene (NM_000032.4). The M379T variant that is likely pathogenic was identified in the ALAS2 gene. It has not been published as a mutation, nor has it been reported as a benign polymorphism to our knowledge. The M379T variant was not observed in approximately 6500 individuals of European and African American ancestry in the NHLBI Exome Sequencing Project, indicating it is not a common benign variant in these populations. The M379T variant is a non-conservative amino acid substitution, which is likely to impact secondary protein structure as these residues differ in polarity, charge, size and/or other properties. This substitution occurs at a position that is highly conserved across species. In silico analysis predicts this variant is probably damaging to the protein structure/function. Missense mutations in nearby residues (R375C, T388P, T388S) have been reported in association with X-linked sideroblastic anemia, supporting the functional importance of this region of the protein. Therefore, this variant is a strong candidate for a pathogenic mutation, however the possibility that it is a benign variant cannot be excluded. The variant is found in MITONUC-MITOP panel(s).

NM_000032.5(ALAS2):c.1136T>C (p.Met379Thr)

Gene: ALAS2 (5'-aminolevulinate synthase 2; minus strand). Cytogenetic location: Xp11.21.
Variant type: single nucleotide variant.
Coding change: c.1136T>C on transcript NM_000032.5 (MANE Select); coding-DNA position 1136, T replaced by C.
Protein change: p.Met379Thr; replaces methionine 379 with threonine.
Molecular consequence: missense variant.
Genome position (GRCh38, 1-based): chrX:55,015,610, A>G on the plus strand (T>C on the coding strand, the complement: ALAS2 is on the minus strand). VCF-style: chrX-55015610-A-G. GRCh37 (hg19) VCF-style: chrX-55042043-A-G.
Other names: p.M379T:ATG>ACG; c.1136T>C, p.Met379Thr (LRG_1163t1); c.1025T>C, p.Met342Thr (NM_001037967.4); c.1097T>C, p.Met366Thr (NM_001037968.4); short protein forms M379T, M366T, M342T.
Identifiers: ClinVar variation 214097 (VCV000214097.2), dbSNP rs863223903, ClinGen allele CA321862.
Genomic context (GRCh38, chrX:55,015,610, plus strand): 5'-TATAAGAAGGCCCAAAGCATTCACTTACCAAGAGTTCCAGAGATGATGTCAATCTTATGC[A>G]TAATTCCATCACGCTCCCCAATCCCAGCGCCCCGGGACCCATACAGTCCTACAGCATGGA-3'
Protein context (NP_000023.2, residues 369-389): GAGIGERDGI[Met379Thr]HKIDIISGTL